The following is an entry in ClinVar:

NM_001034853.2(RPGR):c.2793G>A (p.Glu931=)

Gene: RPGR (retinitis pigmentosa GTPase regulator; minus strand). Cytogenetic location: Xp11.4.
Variant type: single nucleotide variant.
Coding change: c.2793G>A on transcript NM_001034853.2 (MANE Select); coding-DNA position 2793, G replaced by A.
Protein change: p.Glu931=; no amino-acid change (glutamic acid 931 retained).
Molecular consequence: synonymous variant. On other transcripts: intron variant (8).
Genome position (GRCh38, 1-based): chrX:38,286,206, C>T on the plus strand (G>A on the coding strand, the complement: RPGR is on the minus strand). VCF-style: chrX-38286206-C-T. GRCh37 (hg19) VCF-style: chrX-38145459-C-T.
Other names: c.1902+888G>A (NM_001367245.1); c.1386+4753G>A (NM_001367251.1); c.1719+888G>A (NM_001367246.1); c.1572+4753G>A (NM_001367247.1); c.1905+888G>A (NM_000328.3); c.1602+4753G>A (NM_001367248.1); c.1569+4753G>A (NM_001367249.1, NM_001367250.1).
Identifiers: ClinVar variation 1212352 (VCV001212352.11), dbSNP rs1446705794, ClinGen allele CA515709513.

ClinVar aggregate classification (germline): Benign/Likely benign. Review status: criteria provided, multiple submitters, no conflicts (2 of 4 stars). 5 submissions from 5 submitters: Benign (1); Likely benign (4). Last evaluated 2025-03-12.

Conditions:
Primary ciliary dyskinesia. Also called: Ciliary dyskinesia. Identifiers: Orphanet 244, MedGen C0008780, MONDO:0016575, HP:0012265.
RPGR-related disorder. Also called: RPGR-related condition.
Retinitis pigmentosa 3. Also called: CHOROIDORETINAL DEGENERATION WITH RETINAL REFLEX IN HETEROZYGOUS WOMEN. Identifiers: Orphanet 791, MedGen C1845667, MONDO:0010227, OMIM 300029.
Retinitis pigmentosa, X-linked, and sinorespiratory infections, with or without deafness (RPSRDF). Identifiers: Orphanet 247522, MedGen C2749137, OMIM 300455.
X-linked cone-rod dystrophy 1 (CORDX1). Identifiers: Orphanet 1872, MedGen C1844776, MONDO:0010566, OMIM 304020.
Macular degeneration, X-linked atrophic. Identifiers: Orphanet 1872, MedGen C3151784, MONDO:0010443, OMIM 300834.

Allele frequency attached by ClinVar (database versions not stated): gnomAD exomes 0.00203.

Submissions (5):

PreventionGenetics, part of Exact Sciences
Classification: Benign for RPGR-related condition. Last evaluated: 2025-03-12. Review status: criteria provided, single submitter. Criteria: ACMG Guidelines, 2015. Collection method: clinical testing. Allele origin: germline.
Comment: This variant is classified as benign based on ACMG/AMP sequence variant interpretation guidelines (Richards et al. 2015 PMID: 25741868, with internal and published modifications).

Labcorp Genetics (formerly Invitae), Labcorp
Classification: Likely benign for Primary ciliary dyskinesia. Last evaluated: 2023-08-17. Review status: criteria provided, single submitter. Criteria: Invitae Variant Classification Sherloc (09022015). Collection method: clinical testing. Allele origin: germline.

Fulgent Genetics
Classification: Likely benign for Retinitis pigmentosa 3; Retinitis pigmentosa, X-linked, and sinorespiratory infections, with or without deafness; Macular degeneration, X-linked atrophic; X-linked cone-rod dystrophy 1. Last evaluated: 2022-01-07. Review status: criteria provided, single submitter. Criteria: ACMG Guidelines, 2015. Collection method: clinical testing. Allele origin: unknown.

GeneDx
Classification: Likely benign. Last evaluated: 2019-10-20. Review status: criteria provided, single submitter. Criteria: GeneDx Variant Classification Process June 2021. Collection method: clinical testing. Allele origin: germline. Affected: yes.

Breakthrough Genomics
Classification: Likely benign. Review status: criteria provided, single submitter. Criteria: ACMG Guidelines, 2015. Collection method: not provided. Allele origin: germline. Inheritance: X-linked inheritance. Affected: yes.